The following is an entry in ClinVar:

ClinVar aggregate classification (germline): Benign/Likely benign. Review status: criteria provided, multiple submitters, no conflicts (2 of 4 stars). 3 submissions from 3 submitters: Benign (2); Likely benign (1). Last evaluated 2026-09-01.

Allele frequency attached by ClinVar (database versions not stated): 1000 Genomes Project 0.00180; ESP Exome Variant Server 0.00223; gnomAD 0.00238 and 0.00255; 1000 Genomes Project 30x 0.00250; TOPMed 0.00254; ExAC 0.00278; gnomAD exomes 0.00294 and 0.00314.
gnomAD v4.1: 4,964 of 1,613,760 alleles (0.31%); highest among the groups gnomAD compares: Middle Eastern, 0.91%; 24 homozygotes.

Submissions (3):

CeGaT Center for Human Genetics Tuebingen
Classification: Likely benign. Last evaluated: 2026-09-01. Review status: criteria provided, single submitter. Criteria: CeGaT Center For Human Genetics Tuebingen Variant Classification Criteria Version 2. Collection method: clinical testing. Allele origin: germline. Affected: yes. Observed: 6 variant alleles.
Comment: AASS: BP4, BP7, BS2

Labcorp Genetics (formerly Invitae), Labcorp
Classification: Benign. Last evaluated: 2026-01-15. Review status: criteria provided, single submitter. Criteria: Invitae Variant Classification Sherloc (09022015). Collection method: clinical testing. Allele origin: germline.

Breakthrough Genomics
Classification: Benign. Review status: criteria provided, single submitter. Criteria: ACMG Guidelines, 2015. Collection method: not provided. Allele origin: germline. Inheritance: Autosomal recessive inheritance. Affected: yes.

NM_005763.4(AASS):c.1107T>C (p.Cys369=)

Gene: AASS (aminoadipate-semialdehyde synthase; minus strand). Cytogenetic location: 7q31.32.
Variant type: single nucleotide variant.
Coding change: c.1107T>C on transcript NM_005763.4 (MANE Select); coding-DNA position 1107, T replaced by C.
Protein change: p.Cys369=; no amino-acid change (cysteine 369 retained).
Molecular consequence: synonymous variant.
Genome position (GRCh38, 1-based): chr7:122,113,657, A>G on the plus strand (T>C on the coding strand, the complement: AASS is on the minus strand). VCF-style: chr7-122113657-A-G. GRCh37 (hg19) VCF-style: chr7-121753711-A-G.
Identifiers: ClinVar variation 733485 (VCV000733485.34), dbSNP rs61750983, ClinGen allele CA4458462.